The following is an entry in ClinVar:

ClinVar aggregate classification (germline): Uncertain significance. Review status: criteria provided, multiple submitters, no conflicts (2 of 4 stars). 7 submissions from 7 submitters: Uncertain significance (7). Last evaluated 2025-12-05.

Conditions:
Myopathy, proximal, and ophthalmoplegia (CMYO6). Also called: INCLUSION BODY MYOPATHY 3, AUTOSOMAL DOMINANT; CONGENITAL MYOPATHY 6 WITH OPHTHALMOPLEGIA; MYOPATHY WITH CONGENITAL JOINT CONTRACTURES, OPHTHALMOPLEGIA, AND RIMMED VACUOLES. Identifiers: Orphanet 363677, Orphanet 79091, MedGen C1854106, MONDO:0011577, OMIM 605637.
Inborn genetic diseases. Identifiers: MedGen C0950123, MeSH D030342.

Allele frequency attached by ClinVar (database versions not stated): 1000 Genomes Project 30x 0.00031; gnomAD exomes 0.00033 and 0.00043; ExAC 0.00036; 1000 Genomes Project 0.00040; gnomAD 0.00040 and 0.00043; ESP Exome Variant Server 0.00054; TOPMed 0.00065.
gnomAD v4.1: 695 of 1,614,106 alleles (0.043%); highest among the groups gnomAD compares: Admixed American, 0.073%; 1 homozygote.

Submissions (7):

Labcorp Genetics (formerly Invitae), Labcorp
Classification: Uncertain significance for Myopathy, proximal, and ophthalmoplegia. Last evaluated: 2025-12-05. Review status: criteria provided, single submitter. Criteria: Invitae Variant Classification Sherloc (09022015). Collection method: clinical testing. Allele origin: germline.
Comment: This sequence change replaces arginine, which is basic and polar, with histidine, which is basic and polar, at codon 1528 of the MYH2 protein (p.Arg1528His). This variant is present in population databases (rs142934668, gnomAD 0.06%). This variant has not been reported in the literature in individuals affected with MYH2-related conditions. ClinVar contains an entry for this variant (Variation ID: 465942). Invitae Evidence Modeling of protein sequence and biophysical properties (such as structural, functional, and spatial information, amino acid conservation, physicochemical variation, residue mobility, and thermodynamic stability) indicates that this missense variant is not expected to disrupt MYH2 protein function with a negative predictive value of 80%. In summary, the available evidence is currently insufficient to determine the role of this variant in disease. Therefore, it has been classified as a Variant of Uncertain Significance.

Ambry Genetics
Classification: Uncertain significance for Inborn genetic diseases. Last evaluated: 2025-08-04. Review status: criteria provided, single submitter. Criteria: Ambry Variant Classification Scheme 2023. Collection method: clinical testing. Allele origin: germline.

Fulgent Genetics
Classification: Uncertain significance for Myopathy, proximal, and ophthalmoplegia. Last evaluated: 2024-05-10. Review status: criteria provided, single submitter. Criteria: ACMG Guidelines, 2015. Collection method: clinical testing. Allele origin: germline.

GeneDx
Classification: Uncertain significance. Last evaluated: 2023-08-16. Review status: criteria provided, single submitter. Criteria: GeneDx Variant Classification Process June 2021. Collection method: clinical testing. Allele origin: germline. Affected: yes.
Comment: Reported in a patient with schizophrenia; however, additional clinical information was not included (Richards et al., 2016); In silico analysis supports that this missense variant does not alter protein structure/function; This variant is associated with the following publications: (PMID: 26740555, 28719003)

Mayo Clinic Laboratories, Mayo Clinic
Classification: Uncertain significance. Last evaluated: 2020-09-18. Review status: criteria provided, single submitter. Criteria: ACMG Guidelines, 2015. Collection method: clinical testing. Allele origin: germline. Observed: 1 variant allele.

Revvity Omics, Revvity
Classification: Uncertain significance for Myopathy, proximal, and ophthalmoplegia. Last evaluated: 2019-05-31. Review status: criteria provided, single submitter. Criteria: ACMG Guidelines, 2015. Collection method: clinical testing. Allele origin: germline.

Breakthrough Genomics
Classification: Uncertain significance. Review status: criteria provided, single submitter. Criteria: ACMG Guidelines, 2015. Collection method: not provided. Allele origin: germline. Inheritance: Autosomal recessive inheritance. Affected: yes.

NM_017534.6(MYH2):c.4583G>A (p.Arg1528His)

Genes: MYHAS (myosin heavy chain gene cluster antisense RNA; plus strand), MYH2 (myosin heavy chain 2; minus strand), LOC126862500 (BRD4-independent group 4 enhancer GRCh37_chr17:10427829-10429028; plus strand). Cytogenetic location: 17p13.1.
Variant type: single nucleotide variant.
Coding change: c.4583G>A on transcript NM_017534.6 (MANE Select); coding-DNA position 4583, G replaced by A.
Protein change: p.Arg1528His; replaces arginine 1528 with histidine.
Molecular consequence: missense variant.
Genome position (GRCh38, 1-based): chr17:10,525,303, C>T on the plus strand (G>A on the coding strand, the complement: MYH2 is on the minus strand). VCF-style: chr17-10525303-C-T. GRCh37 (hg19) VCF-style: chr17-10428620-C-T.
Other names: c.4583G>A, p.Arg1528His (NM_001100112.2); short protein forms R1528H.
Identifiers: ClinVar variation 465942 (VCV000465942.28), dbSNP rs142934668, ClinGen allele CA8390586.
Genomic context (GRCh38, chr17:10,525,303, plus strand): 5'-GCCTGAAGTTCACACTTTTCTTGTTCCACTTGTTTCTTTATTTTCTCCAGTTCATGGATA[C>T]GTTTCCCTCCTTCTGCAATCTGTTCCGTGAGGTCAGAAATCTCCTCTGTTGTTTGAGTAA-3'
Protein context (NP_060004.3, residues 1518-1538): LTEQIAEGGK[Arg1528His]IHELEKIKKQ